The following is an entry in ClinVar:

NM_006015.6(ARID1A):c.258_278del (p.Gly87_Gly93del)

Gene: ARID1A (AT-rich interaction domain 1A; plus strand). Cytogenetic location: 1p36.11.
Variant type: Deletion.
Coding change: c.258_278del on transcript NM_006015.6 (MANE Select); coding-DNA positions 258 to 278, 21 bases deleted (CGGAGCCGGCAGCGGCGGCGG).
Protein change: p.Gly87_Gly93del.
Genome position (GRCh38, 1-based): chr1:26,696,661-26,696,681, CGGAGCCGGCAGCGGCGGCGG deleted; deleting any 21 consecutive bases within chr1:26,696,651-26,696,681 gives the same sequence; the c. name uses the placement nearest the transcript's 3' end. VCF-style (leftmost placement, unchanged base first): chr1-26696650-GGCGGCGGCGGCGGAGCCGGCA-G. GRCh37 (hg19) VCF-style: chr1-27023141-GGCGGCGGCGGCGGAGCCGGCA-G.
Other names: c.258_278del, p.Gly87_Gly93del (NM_139135.4).
Identifiers: ClinVar variation 3716090 (VCV003716090.4).

ClinVar aggregate classification (germline): Uncertain significance. Review status: criteria provided, multiple submitters, no conflicts (2 of 4 stars). 2 submissions from 2 submitters: Uncertain significance (2). Last evaluated 2025-12-10.

Submissions (2):

Labcorp Genetics (formerly Invitae), Labcorp
Classification: Uncertain significance. Last evaluated: 2025-12-10. Review status: criteria provided, single submitter. Criteria: Invitae Variant Classification Sherloc (09022015). Collection method: clinical testing. Allele origin: germline.
Comment: This variant, c.258_278del, results in the deletion of 7 amino acid(s) of the ARID1A protein (p.Gly87_Gly93del), but otherwise preserves the integrity of the reading frame. This variant is not present in population databases (gnomAD no frequency). This variant has not been reported in the literature in individuals affected with ARID1A-related conditions. ClinVar contains an entry for this variant (Variation ID: 3716090). Experimental studies and prediction algorithms are not available or were not evaluated, and the functional significance of this variant is currently unknown. In summary, the available evidence is currently insufficient to determine the role of this variant in disease. Therefore, it has been classified as a Variant of Uncertain Significance.

Dasa
Classification: Uncertain significance. Last evaluated: 2025-09-05. Review status: criteria provided, single submitter. Criteria: DASA Assertion Criteria. Collection method: clinical testing. Allele origin: germline.
Comment: NM_006015.6(ARID1A):c.258_278del (p.Gly87_Gly93del) is an in-frame deletion predicted to remove amino acids from glycine at protein position 87 through glycine at protein position 93 without shifting the reading frame. This variant is rare in population databases. The currently available literature and clinical evidence are not sufficient to establish a definitive association between this variant and the reported condition. Therefore, this variant is classified as a variant of uncertain significance.